The following is an entry in ClinVar:

NM_003482.4(KMT2D):c.2224C>T (p.His742Tyr)

Gene: KMT2D (lysine methyltransferase 2D; minus strand). Cytogenetic location: 12q13.12.
Variant type: single nucleotide variant.
Coding change: c.2224C>T on transcript NM_003482.4 (MANE Select); coding-DNA position 2224, C replaced by T.
Protein change: p.His742Tyr; replaces histidine 742 with tyrosine.
Molecular consequence: missense variant.
Genome position (GRCh38, 1-based): chr12:49,051,459, G>A on the plus strand (C>T on the coding strand, the complement: KMT2D is on the minus strand). VCF-style: chr12-49051459-G-A. GRCh37 (hg19) VCF-style: chr12-49445242-G-A.
Other names: short protein forms H742Y.
Identifiers: ClinVar variation 3257005 (VCV003257005.17).
Genomic context (GRCh38, chr12:49,051,459, plus strand): 5'-ATAGGTGTGGCTCCTCAGGCCGGGGGGACAGGTGCGGCTCCTCAGGCCGGGGTGACAGGT[G>A]CGGCCCCTCGGACCGGGGGCAGAGTTGCGGCTCCTCAGGTAGTGGCAACAGGGGTGACTC-3'
Protein context (NP_003473.3, residues 732-752): PQLCPRSEGP[His742Tyr]LSPRPEEPHL

ClinVar aggregate classification (germline): Uncertain significance (1 of 4 stars; one submission).

gnomAD v4.1: 1 of 1,613,556 alleles (0.000062%); highest among the groups gnomAD compares: Non-Finnish European, 0.000085%; no homozygotes.

Submission:

CeGaT Center for Human Genetics Tuebingen
Classification: Uncertain significance. Last evaluated: 2024-07-01. Review status: criteria provided, single submitter. Criteria: CeGaT Center For Human Genetics Tuebingen Variant Classification Criteria Version 2. Collection method: clinical testing. Allele origin: germline. Affected: yes. Observed: 1 variant allele.
Comment: KMT2D: PM2, PS2:Moderate, BP4